The following is an entry in ClinVar:

NM_022081.6(HPS4):c.209C>T (p.Ser70Phe)

Gene: HPS4 (HPS4 biogenesis of lysosomal organelles complex 3 subunit 2; minus strand). Cytogenetic location: 22q12.1.
Variant type: single nucleotide variant.
Coding change: c.209C>T on transcript NM_022081.6 (MANE Select); coding-DNA position 209, C replaced by T.
Protein change: p.Ser70Phe; replaces serine 70 with phenylalanine.
Molecular consequence: missense variant. On other transcripts: non-coding transcript variant (8).
Genome position (GRCh38, 1-based): chr22:26,477,060, G>A on the plus strand (C>T on the coding strand, the complement: HPS4 is on the minus strand). VCF-style: chr22-26477060-G-A. GRCh37 (hg19) VCF-style: chr22-26873026-G-A.
Other names: c.209C>T, p.Ser70Phe (NM_001349896.1, NM_001349898.2, NM_001349899.2 and 6 more transcripts); c.194C>T, p.Ser65Phe (NM_152841.2); short protein forms S65F, S70F.
Identifiers: ClinVar variation 1312888 (VCV001312888.2), dbSNP rs2090646363, ClinGen allele CA411032456.

ClinVar aggregate classification (germline): Uncertain significance (1 of 4 stars; one submission).

Allele frequency attached by ClinVar (database versions not stated): TOPMed below 0.00001; gnomAD 0.00001.
gnomAD v4.1: 3 of 1,614,012 alleles (0.00019%); highest among the groups gnomAD compares: South Asian, 0.0011%; no homozygotes.

Submission:

GeneDx
Classification: Uncertain significance. Last evaluated: 2020-07-22. Review status: criteria provided, single submitter. Criteria: GeneDx Variant Classification Process June 2021. Collection method: clinical testing. Allele origin: germline. Affected: yes.
Comment: Not observed in large population cohorts (Lek et al., 2016); In silico analysis supports that this missense variant has a deleterious effect on protein structure/function; Has not been previously published as pathogenic or benign to our knowledge